The following is an entry in ClinVar:

NM_174936.4(PCSK9):c.140C>T (p.Ser47Phe)

Gene: PCSK9 (proprotein convertase subtilisin/kexin type 9; plus strand). Cytogenetic location: 1p32.3.
Variant type: single nucleotide variant.
Coding change: c.140C>T on transcript NM_174936.4 (MANE Select); coding-DNA position 140, C replaced by T.
Protein change: p.Ser47Phe; replaces serine 47 with phenylalanine.
Molecular consequence: missense variant. On other transcripts: 5 prime UTR variant (1), non-coding transcript variant (8).
Genome position (GRCh38, 1-based): chr1:55,039,977, C>T. VCF-style: chr1-55039977-C-T. GRCh37 (hg19) VCF-style: chr1-55505650-C-T.
Other names: c.-595C>T (NM_001407246.1); c.140C>T, p.Ser47Phe (NM_001407247.1, NM_001407240.1, NM_001407241.1 and 4 more transcripts); short protein forms S47F.
Identifiers: ClinVar variation 3229294 (VCV003229294.1), dbSNP rs1372204035, ClinGen allele CA340482853.
Genomic context (GRCh38, chr1:55,039,977, plus strand): 5'-GCGCCCGTGCGCAGGAGGACGAGGACGGCGACTACGAGGAGCTGGTGCTAGCCTTGCGTT[C>T]CGAGGAGGACGGCCTGGCCGAAGCACCCGAGCACGGAACCACAGCCACCTTCCACCGCTG-3'
Protein context (NP_777596.2, residues 37-57): DYEELVLALR[Ser47Phe]EEDGLAEAPE

ClinVar aggregate classification (germline): Uncertain significance (1 of 4 stars; one submission).

Conditions:
Cardiovascular phenotype. Identifiers: MedGen CN230736.

Submission:

Ambry Genetics
Classification: Uncertain significance for Cardiovascular phenotype. Last evaluated: 2023-11-14. Review status: criteria provided, single submitter. Criteria: Ambry Variant Classification Scheme 2023. Collection method: clinical testing. Allele origin: germline.
Comment: The p.S47F variant (also known as c.140C>T), located in coding exon 1 of the PCSK9 gene, results from a C to T substitution at nucleotide position 140. The serine at codon 47 is replaced by phenylalanine, an amino acid with highly dissimilar properties. This amino acid position is conserved. In addition, this alteration is predicted to be tolerated by in silico analysis. Since supporting evidence is limited at this time, the clinical significance of this alteration remains unclear.